The following is an entry in ClinVar:

NM_007254.4(PNKP):c.844G>A (p.Gly282Arg)

Gene: PNKP (polynucleotide kinase 3'-phosphatase; minus strand). Cytogenetic location: 19q13.33.
Variant type: single nucleotide variant.
Coding change: c.844G>A on transcript NM_007254.4 (MANE Select); coding-DNA position 844, G replaced by A.
Protein change: p.Gly282Arg; replaces glycine 282 with arginine.
Molecular consequence: missense variant.
Genome position (GRCh38, 1-based): chr19:49,862,711, C>T on the plus strand (G>A on the coding strand, the complement: PNKP is on the minus strand). VCF-style: chr19-49862711-C-T. GRCh37 (hg19) VCF-style: chr19-50365968-C-T.
Other names: short protein forms G282R.
Identifiers: ClinVar variation 1693329 (VCV001693329.2), dbSNP rs751489111, ClinGen allele CA9586757.

ClinVar aggregate classification (germline): Uncertain significance (1 of 4 stars; one submission).

Allele frequency attached by ClinVar (database versions not stated): gnomAD exomes 0.00001; TOPMed 0.00001; ExAC 0.00002; gnomAD 0.00002.
gnomAD v4.1: 13 of 1,613,986 alleles (0.00081%); highest among the groups gnomAD compares: African/African-American, 0.0013%; no homozygotes.

Submission:

GeneDx
Classification: Uncertain significance. Last evaluated: 2022-01-04. Review status: criteria provided, single submitter. Criteria: GeneDx Variant Classification Process June 2021. Collection method: clinical testing. Allele origin: germline. Affected: yes.
Comment: Not observed at significant frequency in large population cohorts (gnomAD); In silico analysis supports that this missense variant does not alter protein structure/function; Has not been previously published as pathogenic or benign to our knowledge; This variant is associated with the following publications: (PMID: 22508754)